The following is an entry in ClinVar:

NM_017849.4(TMEM127):c.72C>G (p.Pro24=)

Genes: TMEM127 (transmembrane protein 127; minus strand), LOC129934333 (ATAC-STARR-seq lymphoblastoid silent region 11759; plus strand). Cytogenetic location: 2q11.2.
Variant type: single nucleotide variant.
Coding change: c.72C>G on transcript NM_017849.4 (MANE Select); coding-DNA position 72, C replaced by G.
Protein change: p.Pro24=; no amino-acid change (proline 24 retained).
Molecular consequence: synonymous variant.
Genome position (GRCh38, 1-based): chr2:96,265,310, G>C on the plus strand (C>G on the coding strand, the complement: TMEM127 is on the minus strand). VCF-style: chr2-96265310-G-C. GRCh37 (hg19) VCF-style: chr2-96931048-G-C.
Other names: c.72C>G, p.Pro24= (NM_001193304.3).
Identifiers: ClinVar variation 1152793 (VCV001152793.12), dbSNP rs1684394336, ClinGen allele CA427496426.
Genomic context (GRCh38, chr2:96,265,310, plus strand): 5'-CAGCGCCGTGATAGACAGGGCGCCAGGCAGGGCCGAGGCCAGGCTACGCTCCGGCTGCTT[G>C]GGCAGAGCGCTGCCTCCCGGGCTCCTCCGCCGGCGCCCGCCGGGCAGCCCTGCGCCTCCG-3'
Protein context (NP_060319.1, residues 14-34): RRRSPGGSAL[Pro24=]KQPERSLASA

ClinVar aggregate classification (germline): Benign/Likely benign. Review status: criteria provided, multiple submitters, no conflicts (2 of 4 stars). 3 submissions from 3 submitters: Benign (1); Likely benign (2). Last evaluated 2026-07-28.

Conditions:
Hereditary cancer-predisposing syndrome. Also called: Hereditary Cancer Syndrome; Hereditary neoplastic syndrome; Neoplastic Syndromes, Hereditary; Tumor predisposition. Identifiers: Orphanet 140162, MedGen C0027672, MeSH D009386, MONDO:0015356.
Hereditary pheochromocytoma and paraganglioma. Also called: Hereditary paragangliomas and pheochromocytomas; Hereditary Paraganglioma-Pheochromocytoma Syndromes; Hereditary pheochromocytoma-paraganglioma. Identifiers: Orphanet 29072, MedGen C4274332, MONDO:0017366.

Allele frequency attached by ClinVar (database versions not stated): TOPMed 0.00001.

Submissions (3):

Myriad Genetics, Inc.
Classification: Benign for Hereditary pheochromocytoma and paraganglioma. Last evaluated: 2026-07-28. Review status: criteria provided, single submitter. Criteria: Myriad Autosomal Dominant, Autosomal Recessive and X-Linked Classification Criteria (2023). Collection method: clinical testing. Allele origin: unknown.
Comment: This variant is considered benign. This variant is a silent/synonymous amino acid change and it is not expected to impact splicing.

Labcorp Genetics (formerly Invitae), Labcorp
Classification: Likely benign for Hereditary pheochromocytoma and paraganglioma. Last evaluated: 2025-08-10. Review status: criteria provided, single submitter. Criteria: Invitae Variant Classification Sherloc (09022015). Collection method: clinical testing. Allele origin: germline.

Ambry Genetics
Classification: Likely benign for Hereditary cancer-predisposing syndrome. Last evaluated: 2020-11-09. Review status: criteria provided, single submitter. Criteria: Ambry Variant Classification Scheme 2023. Collection method: clinical testing. Allele origin: germline.